The following is an entry in ClinVar:

ClinVar aggregate classification (germline): Likely pathogenic (1 of 4 stars; one submission).

Conditions:
Hereditary cancer-predisposing syndrome. Also called: Neoplastic Syndromes, Hereditary; Tumor predisposition; Hereditary Cancer Syndrome; Hereditary neoplastic syndrome. Identifiers: Orphanet 140162, MedGen C0027672, MeSH D009386, MONDO:0015356.

Submission:

Ambry Genetics
Classification: Likely pathogenic for Hereditary cancer-predisposing syndrome. Last evaluated: 2019-08-15. Review status: criteria provided, single submitter. Criteria: Ambry Variant Classification Scheme 2023. Collection method: clinical testing. Allele origin: germline.
Comment: The c.2524+1G>T intronic variant results from a G to T substitution one nucleotide after coding exon 15 of the RAD50 gene. This nucleotide position is highly conserved in available vertebrate species. Using the BDGP and ESEfinder splice site prediction tools, this alteration is predicted to abolish the native splice donor site; however, direct evidence is unavailable. Alterations that disrupt the canonical splice site are expected to cause aberrant splicing, resulting in an abnormal protein or a transcript that is subject to nonsense-mediated mRNA decay. As such, this alteration is classified as likely pathogenic.

NM_005732.4(RAD50):c.2524+1G>T

Gene: RAD50 (RAD50 double strand break repair protein; plus strand). Cytogenetic location: 5q31.1.
Variant type: single nucleotide variant.
Coding change: c.2524+1G>T on transcript NM_005732.4 (MANE Select); the canonical splice donor site of the intron after coding-DNA position 2524, G replaced by T.
Molecular consequence: splice donor variant.
Genome position (GRCh38, 1-based): chr5:132,604,047, G>T. VCF-style: chr5-132604047-G-T. GRCh37 (hg19) VCF-style: chr5-131939739-G-T.
Identifiers: ClinVar variation 821420 (VCV000821420.4), dbSNP rs1581001575, ClinGen allele CA360955978.